The following is an entry in ClinVar:

ClinVar aggregate classification (germline): Uncertain significance (1 of 4 stars; one submission).

Allele frequency attached by ClinVar (database versions not stated): ExAC 0.00003.
gnomAD v4.1: 11 of 1,613,710 alleles (0.00068%); highest among the groups gnomAD compares: Admixed American, 0.005%; no homozygotes.

Submission:

Labcorp Genetics (formerly Invitae), Labcorp
Classification: Uncertain significance. Last evaluated: 2023-04-20. Review status: criteria provided, single submitter. Criteria: Invitae Variant Classification Sherloc (09022015). Collection method: clinical testing. Allele origin: germline.
Comment: This variant has not been reported in the literature in individuals affected with MYO5B-related conditions. Advanced modeling of protein sequence and biophysical properties (such as structural, functional, and spatial information, amino acid conservation, physicochemical variation, residue mobility, and thermodynamic stability) performed at Invitae indicates that this missense variant is not expected to disrupt MYO5B protein function. In summary, the available evidence is currently insufficient to determine the role of this variant in disease. Therefore, it has been classified as a Variant of Uncertain Significance. This variant is present in population databases (rs779091130, gnomAD 0.006%). This sequence change replaces arginine, which is basic and polar, with leucine, which is neutral and non-polar, at codon 1450 of the MYO5B protein (p.Arg1450Leu).

NM_001080467.3(MYO5B):c.4349G>T (p.Arg1450Leu)

Genes: MYO5B (myosin VB; minus strand), SNHG22 (small nucleolar RNA host gene 22; plus strand). Cytogenetic location: 18q21.1.
Variant type: single nucleotide variant.
Coding change: c.4349G>T on transcript NM_001080467.3 (MANE Select); coding-DNA position 4349, G replaced by T.
Protein change: p.Arg1450Leu; replaces arginine 1450 with leucine.
Molecular consequence: missense variant.
Genome position (GRCh38, 1-based): chr18:49,847,256, C>A on the plus strand (G>T on the coding strand, the complement: MYO5B is on the minus strand). VCF-style: chr18-49847256-C-A. GRCh37 (hg19) VCF-style: chr18-47373626-C-A.
Other names: short protein forms R1450L.
Identifiers: ClinVar variation 2860900 (VCV002860900.3), dbSNP rs779091130, ClinGen allele CA8960385.